The following is an entry in ClinVar:

NM_001105206.3(LAMA4):c.1544A>G (p.Asp515Gly)

Gene: LAMA4 (laminin subunit alpha 4; minus strand). Cytogenetic location: 6q21.
Variant type: single nucleotide variant.
Coding change: c.1544A>G on transcript NM_001105206.3 (MANE Select); coding-DNA position 1544, A replaced by G.
Protein change: p.Asp515Gly; replaces aspartic acid 515 with glycine.
Molecular consequence: missense variant.
Genome position (GRCh38, 1-based): chr6:112,172,618, T>C on the plus strand (A>G on the coding strand, the complement: LAMA4 is on the minus strand). VCF-style: chr6-112172618-T-C. GRCh37 (hg19) VCF-style: chr6-112493820-T-C.
Other names: c.1523A>G, p.Asp508Gly (NM_001105207.3, NM_002290.5); short protein forms D508G, D515G.
Identifiers: ClinVar variation 2057937 (VCV002057937.4), dbSNP rs781826293, ClinGen allele CA365370412.

ClinVar aggregate classification (germline): Uncertain significance (1 of 4 stars; one submission).

Conditions:
Dilated cardiomyopathy 1JJ (CMD1JJ). Identifiers: Orphanet 154, MedGen C3808935, MONDO:0014095, OMIM 615235.

gnomAD v4.1: 3 of 1,612,766 alleles (0.00019%); highest among the groups gnomAD compares: Non-Finnish European, 0.00025%; no homozygotes.

Submission:

Labcorp Genetics (formerly Invitae), Labcorp
Classification: Uncertain significance for Dilated cardiomyopathy 1JJ. Last evaluated: 2022-03-18. Review status: criteria provided, single submitter. Criteria: Invitae Variant Classification Sherloc (09022015). Collection method: clinical testing. Allele origin: germline.
Comment: This variant has not been reported in the literature in individuals affected with LAMA4-related conditions. This sequence change replaces aspartic acid, which is acidic and polar, with glycine, which is neutral and non-polar, at codon 508 of the LAMA4 protein (p.Asp508Gly). This variant is not present in population databases (gnomAD no frequency). Algorithms developed to predict the effect of missense changes on protein structure and function (SIFT, PolyPhen-2, Align-GVGD) all suggest that this variant is likely to be tolerated. In summary, the available evidence is currently insufficient to determine the role of this variant in disease. Therefore, it has been classified as a Variant of Uncertain Significance.